The following is an entry in ClinVar:

NM_206926.2(SELENON):c.436G>T (p.Val146Phe)

Gene: SELENON (selenoprotein N; plus strand). Cytogenetic location: 1p36.11.
Variant type: single nucleotide variant.
Coding change: c.436G>T on transcript NM_206926.2 (MANE Select); coding-DNA position 436, G replaced by T.
Protein change: p.Val146Phe; replaces valine 146 with phenylalanine.
Molecular consequence: missense variant.
Genome position (GRCh38, 1-based): chr1:25,808,580, G>T. VCF-style: chr1-25808580-G-T. GRCh37 (hg19) VCF-style: chr1-26135071-G-T.
Other names: c.538G>T, p.Val180Phe (NM_020451.3); short protein forms V180F, V146F.
Identifiers: ClinVar variation 423313 (VCV000423313.2), dbSNP rs751053087, ClinGen allele CA696555.

ClinVar aggregate classification (germline): Uncertain significance (1 of 4 stars; one submission).

Allele frequency attached by ClinVar (database versions not stated): gnomAD exomes below 0.00001; ExAC 0.00001.
gnomAD v4.1: 1 of 1,613,360 alleles (0.000062%); highest among the groups gnomAD compares: East Asian, 0.0022%; no homozygotes.

Submission:

GeneDx
Classification: Uncertain significance. Last evaluated: 2017-02-13. Review status: criteria provided, single submitter. Criteria: GeneDx Variant Classification (06012015). Collection method: clinical testing. Allele origin: germline. Affected: yes.
Comment: A variant of uncertain significance has been identified in the SEPN1 gene. The c.538 G>T variant has not been published as a pathogenic variant, nor has it been reported as a benign variant to our knowledge. The c.538 G>T variant is not observed at a significant frequency in large population cohorts (Lek et al., 2016; 1000 Genomes Consortium et al., 2015; Exome Variant Server). Several in-silico splice prediction models predict that c.538 G>T may damage the natural acceptor site for exon 5 and lead to abnormal gene splicing. However, in the absence of RNA/functional studies, the actual effect of this sequence change in this individual is unknown. If c.538 G>T does not effect splicing, it will result in a V180F missense variant. This substitution occurs at a position where amino acids with similar properties to Valine are tolerated across species. However, the V180F variant is a semi-conservative amino acid substitution, which may impact secondary protein structure as these residues differ in some properties. In silico analysis predicts this variant is probably damaging to the protein structure/function. Therefore, based on the currently available information, it is unclear whether this variant is a pathogenic variant or a rare benign variant.